The following is an entry in ClinVar:

NM_152564.5(VPS13B):c.7998dup (p.Val2667fs)

Gene: VPS13B (vacuolar protein sorting 13 homolog B; plus strand). Cytogenetic location: 8q22.2.
Variant type: Duplication.
Coding change: c.7998dup on transcript NM_152564.5 (MANE Select); coding-DNA position 7998, one base duplicated (T; older notation c.7998dupT).
Protein change: p.Val2667fs; shifts the reading frame from valine 2667.
Molecular consequence: frameshift variant.
Genome position (GRCh38, 1-based): chr8:99,809,431, T duplicated. VCF-style (leftmost placement, unchanged base first): chr8-99809430-G-GT. GRCh37 (hg19) VCF-style: chr8-100821658-G-GT.
Other names: c.8073dup, p.Val2692fs (NM_017890.5); short protein forms V2667fs, V2692fs.
Identifiers: ClinVar variation 4063134 (VCV004063134.2).

ClinVar aggregate classification (germline): Likely pathogenic (1 of 4 stars; one submission).

Conditions:
Cohen syndrome (COH1). Also called: PEPPER SYNDROME; Cutis verticis gyrata, retinitis pigmentosa, and sensorineural deafness. Identifiers: Orphanet 193, MedGen C0265223, MONDO:0008999, OMIM 216550.

Submission:

Natera, Inc.
Classification: Likely pathogenic for Cohen syndrome. Last evaluated: 2025-04-15. Review status: criteria provided, single submitter. Criteria: Natera Variant Classification Schema (03/2026). Collection method: clinical testing. Allele origin: germline.
Comment: The c.8073dup variant in VPS13B is a frameshift variant predicted to shift the reading frame beginning at codon 2692 and leads to a stop codon 9 codons downstream. This variant is expected to result in nonsense mediated decay, truncation, or a dysfunctional protein product. This variant is rare in the general population with a frequency below the threshold expected for the associated phenotype(s). Given the available evidence, this variant is classified as Likely Pathogenic.